The following is an entry in ClinVar:

NM_015155.3(LARP4B):c.1736T>C (p.Val579Ala)

Gene: LARP4B (La ribonucleoprotein 4B; minus strand). Cytogenetic location: 10p15.3.
Variant type: single nucleotide variant.
Coding change: c.1736T>C on transcript NM_015155.3 (MANE Select); coding-DNA position 1736, T replaced by C.
Protein change: p.Val579Ala; replaces valine 579 with alanine.
Molecular consequence: missense variant.
Genome position (GRCh38, 1-based): chr10:815,030, A>G on the plus strand (T>C on the coding strand, the complement: LARP4B is on the minus strand). VCF-style: chr10-815030-A-G. GRCh37 (hg19) VCF-style: chr10-860970-A-G.
Other names: c.1736T>C, p.Val579Ala (NM_001351277.2); short protein forms V579A.
Identifiers: ClinVar variation 2640267 (VCV002640267.24), dbSNP rs61731095, ClinGen allele CA5381879.

ClinVar aggregate classification (germline): Likely benign (1 of 4 stars; one submission).

Allele frequency attached by ClinVar (database versions not stated): 1000 Genomes Project 0.00140; 1000 Genomes Project 30x 0.00156; TOPMed 0.00360; gnomAD 0.00376; ExAC 0.00399; ESP Exome Variant Server 0.00431; gnomAD exomes 0.00562.
gnomAD v4.1: 8,744 of 1,606,942 alleles (0.54%); highest among the groups gnomAD compares: Non-Finnish European, 0.66%; 40 homozygotes.

Submission:

CeGaT Center for Human Genetics Tuebingen
Classification: Likely benign. Last evaluated: 2023-01-01. Review status: criteria provided, single submitter. Criteria: CeGaT Center For Human Genetics Tuebingen Variant Classification Criteria Version 2. Collection method: clinical testing. Allele origin: germline. Affected: yes. Observed: 2 variant alleles.
Comment: LARP4B: BP4, BS2